The following is an entry in ClinVar:

ClinVar aggregate classification (germline): Uncertain significance. Review status: criteria provided, multiple submitters, no conflicts (2 of 4 stars). 2 submissions from 2 submitters: Uncertain significance (2). Last evaluated 2025-11-09.

Conditions:
Medulloblastoma (MDB). Also called: MEDULLOBLASTOMA PREDISPOSITION SYNDROME; Medulloblastoma, somatic. Identifiers: Orphanet 616, MedGen C0025149, MeSH D008527, MONDO:0007959, OMIM 155255, HP:0002885.
Gorlin syndrome. Also called: Nevoid Basal Cell Carcinoma Syndrome; Basal cell nevus syndrome. Identifiers: Orphanet 377, MedGen C0004779, MONDO:0007187.
Hereditary cancer-predisposing syndrome. Also called: Hereditary Cancer Syndrome; Tumor predisposition; Hereditary neoplastic syndrome; Neoplastic Syndromes, Hereditary. Identifiers: Orphanet 140162, MedGen C0027672, MeSH D009386, MONDO:0015356.

Allele frequency attached by ClinVar (database versions not stated): gnomAD exomes below 0.00001.
gnomAD v4.1: 2 of 1,614,070 alleles (0.00012%); highest among the groups gnomAD compares: Non-Finnish European, 0.00017%; no homozygotes.

Submissions (2):

Labcorp Genetics (formerly Invitae), Labcorp
Classification: Uncertain significance for Gorlin syndrome; Medulloblastoma. Last evaluated: 2025-11-09. Review status: criteria provided, single submitter. Criteria: Invitae Variant Classification Sherloc (09022015). Collection method: clinical testing. Allele origin: germline.
Comment: This sequence change replaces glycine, which is neutral and non-polar, with arginine, which is basic and polar, at codon 378 of the SUFU protein (p.Gly378Arg). This variant is not present in population databases (gnomAD no frequency). This variant has not been reported in the literature in individuals affected with SUFU-related conditions. ClinVar contains an entry for this variant (Variation ID: 1055884). Invitae Evidence Modeling of protein sequence and biophysical properties (such as structural, functional, and spatial information, amino acid conservation, physicochemical variation, residue mobility, and thermodynamic stability) indicates that this missense variant is expected to disrupt SUFU protein function with a positive predictive value of 80%. In summary, the available evidence is currently insufficient to determine the role of this variant in disease. Therefore, it has been classified as a Variant of Uncertain Significance.

Ambry Genetics
Classification: Uncertain significance for Hereditary cancer-predisposing syndrome. Last evaluated: 2025-07-28. Review status: criteria provided, single submitter. Criteria: Ambry Variant Classification Scheme 2023. Collection method: clinical testing. Allele origin: germline.
Comment: The p.G378R variant (also known as c.1132G>A), located in coding exon 9 of the SUFU gene, results from a G to A substitution at nucleotide position 1132. The glycine at codon 378 is replaced by arginine, an amino acid with dissimilar properties. This amino acid position is highly conserved in available vertebrate species. In addition, this alteration is predicted to be deleterious by in silico analysis. Since supporting evidence is limited at this time, the clinical significance of this alteration remains unclear.

NM_016169.4(SUFU):c.1132G>A (p.Gly378Arg)

Gene: SUFU (SUFU negative regulator of hedgehog signaling; plus strand). Cytogenetic location: 10q24.32.
Variant type: single nucleotide variant.
Coding change: c.1132G>A on transcript NM_016169.4 (MANE Select); coding-DNA position 1132, G replaced by A.
Protein change: p.Gly378Arg; replaces glycine 378 with arginine.
Molecular consequence: missense variant.
Genome position (GRCh38, 1-based): chr10:102,615,377, G>A. VCF-style: chr10-102615377-G-A. GRCh37 (hg19) VCF-style: chr10-104375134-G-A.
Other names: c.1132G>A, p.Gly378Arg (NM_001178133.2); short protein forms G378R.
Identifiers: ClinVar variation 1055884 (VCV001055884.13), dbSNP rs1256959985, ClinGen allele CA377914455.
Genomic context (GRCh38, chr10:102,615,377, plus strand): 5'-CATGAGCTGATTCGCACGCGGCAGCTTGAGAGCGTACATCTGAAATTCAACCAGGAGTCC[G>A]GAGCCCTCATTCCTCTCTGCCTAAGGTGAGCGAGACAGCCCTGCCACACAGTTTACCCCA-3'
Protein context (NP_057253.2, residues 368-388): SVHLKFNQES[Gly378Arg]ALIPLCLRGR